The following is an entry in ClinVar:

NM_020964.3(EPG5):c.4724A>G (p.Asn1575Ser)

Gene: EPG5 (ectopic P-granules 5 autophagy tethering factor; minus strand). Cytogenetic location: 18q12.3.
Variant type: single nucleotide variant.
Coding change: c.4724A>G on transcript NM_020964.3 (MANE Select); coding-DNA position 4724, A replaced by G.
Protein change: p.Asn1575Ser; replaces asparagine 1575 with serine.
Molecular consequence: missense variant.
Genome position (GRCh38, 1-based): chr18:45,899,489, T>C on the plus strand (A>G on the coding strand, the complement: EPG5 is on the minus strand). VCF-style: chr18-45899489-T-C. GRCh37 (hg19) VCF-style: chr18-43479454-T-C.
Other names: c.4724A>G, p.Asn1575Ser (NM_001410858.1, NM_001410859.1); short protein forms N1575S.
Identifiers: ClinVar variation 4708661 (VCV004708661.1).

ClinVar aggregate classification (germline): Uncertain significance (1 of 4 stars; one submission).

Conditions:
Vici syndrome (VICIS). Identifiers: Orphanet 1493, MedGen C1855772, MONDO:0009452, OMIM 242840.

gnomAD v4.1: 5 of 1,614,198 alleles (0.00031%); highest among the groups gnomAD compares: Non-Finnish European, 0.00042%; no homozygotes.

Submission:

Labcorp Genetics (formerly Invitae), Labcorp
Classification: Uncertain significance for Vici syndrome. Last evaluated: 2025-03-25. Review status: criteria provided, single submitter. Criteria: Invitae Variant Classification Sherloc (09022015). Collection method: clinical testing. Allele origin: germline.
Comment: This sequence change replaces asparagine, which is neutral and polar, with serine, which is neutral and polar, at codon 1575 of the EPG5 protein (p.Asn1575Ser). This variant is present in population databases (rs753483404, gnomAD 0.0009%). This variant has not been reported in the literature in individuals affected with EPG5-related conditions. Invitae Evidence Modeling of protein sequence and biophysical properties (such as structural, functional, and spatial information, amino acid conservation, physicochemical variation, residue mobility, and thermodynamic stability) indicates that this missense variant is expected to disrupt EPG5 protein function with a positive predictive value of 80%. In summary, the available evidence is currently insufficient to determine the role of this variant in disease. Therefore, it has been classified as a Variant of Uncertain Significance.